The following is an entry in ClinVar:

NM_002880.4(RAF1):c.320+216C>A

Gene: RAF1 (Raf-1 proto-oncogene, serine/threonine kinase; minus strand). Cytogenetic location: 3p25.2.
Variant type: single nucleotide variant.
Coding change: c.320+216C>A on transcript NM_002880.4 (MANE Select); 216 bases into the intron after coding-DNA position 320, C replaced by A.
Molecular consequence: intron variant.
Genome position (GRCh38, 1-based): chr3:12,611,734, G>T on the plus strand (C>A on the coding strand, the complement: RAF1 is on the minus strand). VCF-style: chr3-12611734-G-T. GRCh37 (hg19) VCF-style: chr3-12653233-G-T.
Other names: c.78-2399C>A (NM_001354695.3, NM_001354692.3, NM_001354694.3 and 1 more transcripts); c.320+216C>A (NM_001354693.3, NM_001354689.3, NM_001354690.3).
Identifiers: ClinVar variation 561367 (VCV000561367.1), dbSNP rs3730269, ClinGen allele CA11351604.
Genomic context (GRCh38, chr3:12,611,734, plus strand): 5'-TGGGCGACAGAGCAAGACTCCACCTCAAAAAGAAAAAAAAATTACAGGTATTGGTCATCA[G>T]GCCCAGCTTAACGTGTATTTAACTTTTCAAGAGAATGTCCAAGCAATAATTTCAATTTCT-3'

ClinVar aggregate classification (germline): Benign (1 of 4 stars; one submission).

Allele frequency attached by ClinVar (database versions not stated): 1000 Genomes Project 0.19469; 1000 Genomes Project 30x 0.20128; gnomAD 0.23116 and 0.24018; TOPMed 0.23545.
gnomAD v4.1: 35,109 of 152,050 alleles (23%); highest among the groups gnomAD compares: African/African-American, 36%; 4,617 homozygotes.

Submission:

GeneDx
Classification: Benign. Last evaluated: 2018-06-14. Review status: criteria provided, single submitter. Criteria: GeneDx Variant Classification (06012015). Collection method: clinical testing. Allele origin: germline. Affected: yes.
Comment: This variant is considered likely benign or benign based on one or more of the following criteria: it is a conservative change, it occurs at a poorly conserved position in the protein, it is predicted to be benign by multiple in silico algorithms, and/or has population frequency not consistent with disease.